The following is an entry in ClinVar:

NM_003184.4(TAF2):c.2193T>C (p.Ser731=)

Gene: TAF2 (TATA-box binding protein associated factor 2; minus strand). Cytogenetic location: 8q24.12.
Variant type: single nucleotide variant.
Coding change: c.2193T>C on transcript NM_003184.4 (MANE Select); coding-DNA position 2193, T replaced by C.
Protein change: p.Ser731=; no amino-acid change (serine 731 retained).
Molecular consequence: synonymous variant.
Genome position (GRCh38, 1-based): chr8:119,781,113, A>G on the plus strand (T>C on the coding strand, the complement: TAF2 is on the minus strand). VCF-style: chr8-119781113-A-G. GRCh37 (hg19) VCF-style: chr8-120793353-A-G.
Identifiers: ClinVar variation 1914671 (VCV001914671.9), dbSNP rs752295412, ClinGen allele CA4857136.

ClinVar aggregate classification (germline): Likely benign. Review status: criteria provided, multiple submitters, no conflicts (2 of 4 stars). 2 submissions from 2 submitters: Likely benign (2). Last evaluated 2026-05-01.

Allele frequency attached by ClinVar (database versions not stated): gnomAD exomes 0.00007; TOPMed 0.00008; ExAC 0.00012.
gnomAD v4.1: 40 of 1,614,044 alleles (0.0025%); highest among the groups gnomAD compares: Admixed American, 0.065%; no homozygotes.

Submissions (2):

CeGaT Center for Human Genetics Tuebingen
Classification: Likely benign. Last evaluated: 2026-05-01. Review status: criteria provided, single submitter. Criteria: CeGaT Center For Human Genetics Tuebingen Variant Classification Criteria Version 2. Collection method: clinical testing. Allele origin: germline. Affected: yes. Observed: 2 variant alleles.
Comment: TAF2: BP4, BP7

Labcorp Genetics (formerly Invitae), Labcorp
Classification: Likely benign. Last evaluated: 2025-04-21. Review status: criteria provided, single submitter. Criteria: Invitae Variant Classification Sherloc (09022015). Collection method: clinical testing. Allele origin: germline.